The following is an entry in ClinVar:

ClinVar aggregate classification (germline): Uncertain significance. Review status: criteria provided, multiple submitters, no conflicts (2 of 4 stars). 2 submissions from 2 submitters: Uncertain significance (2). Last evaluated 2025-08-14.

Conditions:
Immunodeficiency. Identifiers: MedGen C0021051, MONDO:0021094, HP:0002721.

Allele frequency attached by ClinVar (database versions not stated): gnomAD exomes below 0.00001; TOPMed below 0.00001.
gnomAD v4.1: 1 of 1,613,658 alleles (0.000062%); highest among the groups gnomAD compares: Admixed American, 0.0017%; no homozygotes.

Submissions (2):

Ambry Genetics
Classification: Uncertain significance. Last evaluated: 2025-08-14. Review status: criteria provided, single submitter. Criteria: Ambry Variant Classification Scheme 2023. Collection method: clinical testing. Allele origin: germline.

Labcorp Genetics (formerly Invitae), Labcorp
Classification: Uncertain significance for Immunodeficiency. Last evaluated: 2024-11-11. Review status: criteria provided, single submitter. Criteria: Invitae Variant Classification Sherloc (09022015). Collection method: clinical testing. Allele origin: germline.
Comment: This sequence change replaces valine, which is neutral and non-polar, with isoleucine, which is neutral and non-polar, at codon 294 of the NFAT5 protein (p.Val294Ile). This variant is not present in population databases (gnomAD no frequency). This variant has not been reported in the literature in individuals affected with NFAT5-related conditions. ClinVar contains an entry for this variant (Variation ID: 2868149). An algorithm developed to predict the effect of missense changes on protein structure and function (PolyPhen-2) suggests that this variant is likely to be disruptive. In summary, the available evidence is currently insufficient to determine the role of this variant in disease. Therefore, it has been classified as a Variant of Uncertain Significance.

NM_138713.4(NFAT5):c.1162G>A (p.Val388Ile)

Gene: NFAT5 (nuclear factor of activated T cells 5; plus strand). Cytogenetic location: 16q22.1.
Variant type: single nucleotide variant.
Coding change: c.1162G>A on transcript NM_138713.4 (MANE Select); coding-DNA position 1162, G replaced by A.
Protein change: p.Val388Ile; replaces valine 388 with isoleucine.
Molecular consequence: missense variant.
Genome position (GRCh38, 1-based): chr16:69,655,765, G>A. VCF-style: chr16-69655765-G-A. GRCh37 (hg19) VCF-style: chr16-69689668-G-A.
Other names: c.1162G>A, p.Val388Ile (NM_001113178.3); c.490G>A, p.Val164Ile (NM_001367709.1); c.1108G>A, p.Val370Ile (NM_006599.4); c.880G>A, p.Val294Ile (NM_138714.4, NM_173214.3, NM_173215.3); c.1162G>A (NM_138713.3); short protein forms V294I, V164I, V370I, V388I.
Identifiers: ClinVar variation 2868149 (VCV002868149.4), dbSNP rs2035850236, ClinGen allele CA396491670.